The following is an entry in ClinVar:

NM_001371596.2(MFSD8):c.1441C>G (p.Pro481Ala)

Gene: MFSD8 (major facilitator superfamily domain containing 8; minus strand). Cytogenetic location: 4q28.2.
Variant type: single nucleotide variant.
Coding change: c.1441C>G on transcript NM_001371596.2 (MANE Select); coding-DNA position 1441, C replaced by G.
Protein change: p.Pro481Ala; replaces proline 481 with alanine.
Molecular consequence: missense variant.
Genome position (GRCh38, 1-based): chr4:127,920,746, G>C on the plus strand (C>G on the coding strand, the complement: MFSD8 is on the minus strand). VCF-style: chr4-127920746-G-C. GRCh37 (hg19) VCF-style: chr4-128841901-G-C.
Other names: c.1240C>G, p.Pro414Ala (NM_001363520.3); c.1126C>G, p.Pro376Ala (NM_001363521.3); c.1306C>G, p.Pro436Ala (NM_001371590.2); c.1450C>G, p.Pro484Ala (NM_001371591.2); c.1447C>G, p.Pro483Ala (NM_001371592.2); c.1327C>G, p.Pro443Ala (NM_001371593.2); c.1294C>G, p.Pro432Ala (NM_001371594.2); c.1159C>G, p.Pro387Ala (NM_001371595.1); and 3 more; short protein forms P432A, P436A, P387A, P414A, P443A, P483A, P376A, P331A.
Identifiers: ClinVar variation 1984593 (VCV001984593.4), dbSNP rs1457420375, ClinGen allele CA358170680.

ClinVar aggregate classification (germline): Uncertain significance (1 of 4 stars; one submission).

Conditions:
Neuronal ceroid lipofuscinosis 7 (CLN7). Also called: MFSD8-Related Neuronal Ceroid-Lipofuscinosis. Identifiers: Orphanet 168491, Orphanet 228366, MedGen C1838571, MONDO:0012588, OMIM 610951.

Submission:

Labcorp Genetics (formerly Invitae), Labcorp
Classification: Uncertain significance for Neuronal ceroid lipofuscinosis 7. Last evaluated: 2022-06-10. Review status: criteria provided, single submitter. Criteria: Invitae Variant Classification Sherloc (09022015). Collection method: clinical testing. Allele origin: germline.
Comment: In summary, the available evidence is currently insufficient to determine the role of this variant in disease. Therefore, it has been classified as a Variant of Uncertain Significance. Algorithms developed to predict the effect of missense changes on protein structure and function are either unavailable or do not agree on the potential impact of this missense change (SIFT: "Tolerated"; PolyPhen-2: "Probably Damaging"; Align-GVGD: "Class C0"). This variant has not been reported in the literature in individuals affected with MFSD8-related conditions. This variant is not present in population databases (gnomAD no frequency). This sequence change replaces proline, which is neutral and non-polar, with alanine, which is neutral and non-polar, at codon 481 of the MFSD8 protein (p.Pro481Ala).